The following is an entry in ClinVar:

NM_001378454.1(ALMS1):c.7674+1G>T

Gene: ALMS1 (ALMS1 centrosome and basal body associated protein; plus strand). Cytogenetic location: 2p13.1.
Variant type: single nucleotide variant.
Coding change: c.7674+1G>T on transcript NM_001378454.1 (MANE Select); the canonical splice donor site of the intron after coding-DNA position 7674, G replaced by T.
Molecular consequence: splice donor variant.
Genome position (GRCh38, 1-based): chr2:73,455,296, G>T. VCF-style: chr2-73455296-G-T. GRCh37 (hg19) VCF-style: chr2-73682423-G-T.
Other names: c.7674+1G>T (NM_015120.4); c.7677+1G>T (NM_015120.4).
Identifiers: ClinVar variation 961989 (VCV000961989.10), dbSNP rs1417025395, ClinGen allele CA347293221.

ClinVar aggregate classification (germline): Pathogenic (1 of 4 stars; one submission).

Conditions:
Alstrom syndrome (ALMS). Identifiers: Orphanet 64, MedGen C0268425, MONDO:0008763, OMIM 203800.

Allele frequency attached by ClinVar (database versions not stated): TOPMed below 0.00001.
gnomAD v4.1: 2 of 1,613,946 alleles (0.00012%); highest among the groups gnomAD compares: Non-Finnish European, 0.00017%; no homozygotes.

Submission:

Labcorp Genetics (formerly Invitae), Labcorp
Classification: Pathogenic for Alstrom syndrome. Last evaluated: 2022-08-16. Review status: criteria provided, single submitter. Criteria: Invitae Variant Classification Sherloc (09022015). Collection method: clinical testing. Allele origin: germline.
Comment: Disruption of this splice site has been observed in individual(s) with clinical features of Alström syndrome (PMID: 25846608, 31630094). In at least one individual the data is consistent with being in trans (on the opposite chromosome) from a pathogenic variant. This variant is also known as c.7671+1G>T. ClinVar contains an entry for this variant (Variation ID: 961989). Algorithms developed to predict the effect of sequence changes on RNA splicing suggest that this variant may disrupt the consensus splice site. For these reasons, this variant has been classified as Pathogenic. This variant is not present in population databases (gnomAD no frequency). This sequence change affects a donor splice site in intron 9 of the ALMS1 gene. It is expected to disrupt RNA splicing. Variants that disrupt the donor or acceptor splice site typically lead to a loss of protein function (PMID: 16199547), and loss-of-function variants in ALMS1 are known to be pathogenic (PMID: 17594715).

Literature cited by the submitters: PubMed 25846608; PubMed 31630094; PubMed 16199547; PubMed 17594715.